The following is an entry in ClinVar:

ClinVar aggregate classification (germline): Uncertain significance (1 of 4 stars; one submission).

Allele frequency attached by ClinVar (database versions not stated): TOPMed below 0.00001.

Submission:

Labcorp Genetics (formerly Invitae), Labcorp
Classification: Uncertain significance. Last evaluated: 2023-04-10. Review status: criteria provided, single submitter. Criteria: Invitae Variant Classification Sherloc (09022015). Collection method: clinical testing. Allele origin: germline.
Comment: In summary, the available evidence is currently insufficient to determine the role of this variant in disease. Therefore, it has been classified as a Variant of Uncertain Significance. Advanced modeling of protein sequence and biophysical properties (such as structural, functional, and spatial information, amino acid conservation, physicochemical variation, residue mobility, and thermodynamic stability) performed at Invitae indicates that this missense variant is expected to disrupt TUBA8 protein function. This variant has not been reported in the literature in individuals affected with TUBA8-related conditions. This variant is not present in population databases (gnomAD no frequency). This sequence change replaces valine, which is neutral and non-polar, with methionine, which is neutral and non-polar, at codon 409 of the TUBA8 protein (p.Val409Met).

NM_018943.3(TUBA8):c.1225G>A (p.Val409Met)

Gene: TUBA8 (tubulin alpha 8; plus strand). Cytogenetic location: 22q11.21.
Variant type: single nucleotide variant.
Coding change: c.1225G>A on transcript NM_018943.3 (MANE Select); coding-DNA position 1225, G replaced by A.
Protein change: p.Val409Met; replaces valine 409 with methionine.
Molecular consequence: missense variant.
Genome position (GRCh38, 1-based): chr22:18,131,011, G>A. VCF-style: chr22-18131011-G-A. GRCh37 (hg19) VCF-style: chr22-18613778-G-A.
Other names: c.1027G>A, p.Val343Met (NM_001193414.2); short protein forms V409M, V343M.
Identifiers: ClinVar variation 2966603 (VCV002966603.3), dbSNP rs1928492636, ClinGen allele CA410267045.